The following is an entry in ClinVar:

NM_032043.3(BRIP1):c.2839C>T (p.Gln947Ter)

Gene: BRIP1 (BRCA1 interacting DNA helicase 1; minus strand). Cytogenetic location: 17q23.2.
Variant type: single nucleotide variant.
Coding change: c.2839C>T on transcript NM_032043.3 (MANE Select); coding-DNA position 2839, C replaced by T.
Protein change: p.Gln947Ter; replaces glutamine 947 with a stop codon.
Molecular consequence: nonsense.
Genome position (GRCh38, 1-based): chr17:61,685,902, G>A on the plus strand (C>T on the coding strand, the complement: BRIP1 is on the minus strand). VCF-style: chr17-61685902-G-A. GRCh37 (hg19) VCF-style: chr17-59763263-G-A.
Other names: short protein forms Q947*.
Identifiers: ClinVar variation 929531 (VCV000929531.13), dbSNP rs2061353270, ClinGen allele CA400481374.

ClinVar aggregate classification (germline): Pathogenic/Likely pathogenic. Review status: criteria provided, multiple submitters, no conflicts (2 of 4 stars). 5 submissions from 5 submitters: Pathogenic (3); Likely pathogenic (1). 1 of the submissions does not count toward it. Last evaluated 2026-01-09.

Conditions:
Hereditary cancer-predisposing syndrome. Also called: Hereditary neoplastic syndrome; Hereditary Cancer Syndrome; Neoplastic Syndromes, Hereditary; Tumor predisposition. Identifiers: Orphanet 140162, MedGen C0027672, MeSH D009386, MONDO:0015356.
Familial ovarian cancer. Identifiers: MedGen C5679802, MONDO:0016248.
Fanconi anemia complementation group J. Also called: BRIP1-Related Fanconi Anemia. Identifiers: Orphanet 84, MedGen C1836860, MONDO:0012187, OMIM 609054.
Familial cancer of breast. Also called: hereditary breast carcinoma; Hereditary breast cancer; BREAST CANCER, FAMILIAL. Identifiers: Orphanet 227535, MedGen C0346153, MONDO:0016419, OMIM 114480. Disease mechanism: loss of function.

Submissions (5):

Myriad Genetics, Inc.
Classification: Pathogenic for Familial ovarian cancer. Last evaluated: 2026-01-09. Review status: criteria provided, single submitter. Criteria: Myriad Autosomal Dominant, Autosomal Recessive and X-Linked Classification Criteria (2023). Collection method: clinical testing. Allele origin: unknown.
Comment: This variant is considered pathogenic. This variant creates a termination codon and is predicted to result in premature protein truncation.

Ambry Genetics
Classification: Pathogenic for Hereditary cancer-predisposing syndrome. Last evaluated: 2023-10-12. Review status: criteria provided, single submitter. Criteria: Ambry Variant Classification Scheme 2023. Collection method: clinical testing. Allele origin: germline.
Comment: The p.Q947* pathogenic mutation (also known as c.2839C>T), located in coding exon 18 of the BRIP1 gene, results from a C to T substitution at nucleotide position 2839. This changes the amino acid from a glutamine to a stop codon within coding exon 18. This alteration is expected to result in loss of function by premature protein truncation or nonsense-mediated mRNA decay. As such, this alteration is interpreted as a disease-causing mutation.

Labcorp Genetics (formerly Invitae), Labcorp
Classification: Pathogenic for Familial cancer of breast; Fanconi anemia complementation group J. Last evaluated: 2023-03-24. Review status: criteria provided, single submitter. Criteria: Invitae Variant Classification Sherloc (09022015). Collection method: clinical testing. Allele origin: germline.
Comment: For these reasons, this variant has been classified as Pathogenic. Studies have shown that this premature translational stop signal is associated with altered splicing resulting in unknown protein product impact (Invitae). ClinVar contains an entry for this variant (Variation ID: 929531). This variant has not been reported in the literature in individuals affected with BRIP1-related conditions. This variant is not present in population databases (gnomAD no frequency). This sequence change creates a premature translational stop signal (p.Gln947*) in the BRIP1 gene. It is expected to result in an absent or disrupted protein product. Loss-of-function variants in BRIP1 are known to be pathogenic (PMID: 16116423, 17033622, 21964575).

Institute of Medical Genetics and Applied Genomics, University Hospital Tübingen
Classification: Likely pathogenic. Last evaluated: 2020-10-23. Review status: criteria provided, single submitter. Criteria: ACMG Guidelines, 2015. Collection method: clinical testing. Allele origin: germline. Inheritance: Unknown mechanism. Affected: yes.

Leiden Open Variation Database
Classification: Likely pathogenic. Last evaluated: 2018-09-03. Review status: no assertion criteria provided. Collection method: curation. Allele origin: germline. Affected: yes. Not counted in ClinVar's aggregate classification.
Comment: Curator: Arleen D. Auerbach. Submitter to LOVD: IMGAG.

Literature cited by the submitters: PubMed 16116423 (cited by Labcorp Genetics (formerly Invitae), Labcorp); PubMed 17033622 (cited by Labcorp Genetics (formerly Invitae), Labcorp); PubMed 21964575 (cited by Labcorp Genetics (formerly Invitae), Labcorp).